The following is an entry in ClinVar:

NM_001114753.3(ENG):c.-94C>G

Gene: ENG (endoglin; minus strand). Cytogenetic location: 9q34.11.
Variant type: single nucleotide variant.
Coding change: c.-94C>G on transcript NM_001114753.3 (MANE Select); 94 bases upstream of the start codon, C replaced by G.
Molecular consequence: 5 prime UTR variant.
Genome position (GRCh38, 1-based): chr9:127,854,449, G>C on the plus strand (C>G on the coding strand, the complement: ENG is on the minus strand). VCF-style: chr9-127854449-G-C. GRCh37 (hg19) VCF-style: chr9-130616728-G-C.
Other names: c.-94C>G (NM_000118.4, NM_001406715.1).
Identifiers: ClinVar variation 2151711 (VCV002151711.1), dbSNP rs2539126818, ClinGen allele CA2580079594.

ClinVar aggregate classification (germline): Uncertain significance (1 of 4 stars; one submission).

Conditions:
Hereditary hemorrhagic telangiectasia (HHT). Also called: ORW DISEASE; Osler Weber Rendu syndrome; OSLER-RENDU-WEBER DISEASE; Osler hemorrhagic telangiectasia syndrome. Identifiers: Orphanet 774, MedGen C0039445, MONDO:0019180. Disease mechanism: loss of function.

Submission:

Labcorp Genetics (formerly Invitae), Labcorp
Classification: Uncertain significance for Hereditary hemorrhagic telangiectasia. Last evaluated: 2022-03-28. Review status: criteria provided, single submitter. Criteria: Invitae Variant Classification Sherloc (09022015). Collection method: clinical testing. Allele origin: germline.
Comment: This variant occurs in a non-coding region of the ENG gene. It does not change the encoded amino acid sequence of the ENG protein. This variant is not present in population databases (gnomAD no frequency). This variant has not been reported in the literature in individuals affected with ENG-related conditions. Experimental studies and prediction algorithms are not available or were not evaluated, and the functional significance of this variant is currently unknown. In summary, the available evidence is currently insufficient to determine the role of this variant in disease. Therefore, it has been classified as a Variant of Uncertain Significance.